The following is an entry in ClinVar:

ClinVar aggregate classification (germline): Uncertain significance. Review status: criteria provided, multiple submitters, no conflicts (2 of 4 stars). 3 submissions from 3 submitters: Uncertain significance (2). 1 of the submissions does not count toward it. Last evaluated 2022-07-05.

Conditions:
Inborn genetic diseases. Identifiers: MedGen C0950123, MeSH D030342.
AHDC1-related disorder. Also called: AHDC1-related condition.

Allele frequency attached by ClinVar (database versions not stated): gnomAD 0.00001; gnomAD exomes 0.00002 and 0.00004; TOPMed 0.00002; ExAC 0.00013.
gnomAD v4.1: 31 of 1,557,638 alleles (0.002%); highest among the groups gnomAD compares: East Asian, 0.0023%; no homozygotes.

Submissions (3):

Labcorp Genetics (formerly Invitae), Labcorp
Classification: Uncertain significance. Last evaluated: 2022-07-05. Review status: criteria provided, single submitter. Criteria: Invitae Variant Classification Sherloc (09022015). Collection method: clinical testing. Allele origin: germline.
Comment: In summary, the available evidence is currently insufficient to determine the role of this variant in disease. Therefore, it has been classified as a Variant of Uncertain Significance. Algorithms developed to predict the effect of missense changes on protein structure and function are either unavailable or do not agree on the potential impact of this missense change (SIFT: "Deleterious"; PolyPhen-2: "Possibly Damaging"; Align-GVGD: "Class C0"). ClinVar contains an entry for this variant (Variation ID: 1350676). This variant has not been reported in the literature in individuals affected with AHDC1-related conditions. This variant is present in population databases (rs780172155, gnomAD 0.02%). This sequence change replaces glutamic acid, which is acidic and polar, with lysine, which is basic and polar, at codon 361 of the AHDC1 protein (p.Glu361Lys).

Ambry Genetics
Classification: Uncertain significance for Inborn genetic diseases. Last evaluated: 2021-12-23. Review status: criteria provided, single submitter. Criteria: Ambry Variant Classification Scheme 2023. Collection method: clinical testing. Allele origin: germline.

PreventionGenetics, part of Exact Sciences
Classification: Likely benign for AHDC1-related condition. Last evaluated: 2023-12-31. Review status: no assertion criteria provided. Collection method: clinical testing. Allele origin: germline. Not counted in ClinVar's aggregate classification.
Comment: This variant is classified as likely benign based on ACMG/AMP sequence variant interpretation guidelines (Richards et al. 2015 PMID: 25741868, with internal and published modifications).

NM_001371928.1(AHDC1):c.1081G>A (p.Glu361Lys)

Gene: AHDC1 (AT-hook DNA binding motif containing 1; minus strand). Cytogenetic location: 1p36.11.
Variant type: single nucleotide variant.
Coding change: c.1081G>A on transcript NM_001371928.1 (MANE Select); coding-DNA position 1081, G replaced by A.
Protein change: p.Glu361Lys; replaces glutamic acid 361 with lysine.
Molecular consequence: missense variant.
Genome position (GRCh38, 1-based): chr1:27,551,035, C>T on the plus strand (G>A on the coding strand, the complement: AHDC1 is on the minus strand). VCF-style: chr1-27551035-C-T. GRCh37 (hg19) VCF-style: chr1-27877546-C-T.
Other names: c.1081G>A, p.Glu361Lys (NM_001029882.3); c.1081G>A (NM_001029882.2); short protein forms E361K.
Identifiers: ClinVar variation 1350676 (VCV001350676.9), dbSNP rs780172155, ClinGen allele CA716027.
Genomic context (GRCh38, chr1:27,551,035, plus strand): 5'-TGGGGTGACCCTCAGGCCCGGGGGGGCCGTGCGGTGAGCACAAGTCCAGGCGCAAGGGCT[C>T]GGCCAGTGGGCAGTGCCCCAGGGGCTGCTGGGGCTCCAGACGGCGACCTGGGACGTCAAG-3'
Protein context (NP_001358857.1, residues 351-371): QQPLGHCPLA[Glu361Lys]PLRLDLCSPH